The following is an entry in ClinVar:

ClinVar aggregate classification (germline): Pathogenic. Review status: reviewed by expert panel (3 of 4 stars). 4 submissions from 4 submitters: Pathogenic (1). 3 of the submissions do not count toward it. Last evaluated 2016-10-18.

Conditions:
BRCA2-related disorder. Also called: BRCA2-related condition; BRCA2-related disorders. Identifiers: MedGen CN239275.
Breast and/or ovarian cancer. Identifiers: MedGen CN221562.
Breast-ovarian cancer, familial, susceptibility to, 2 (BROVCA2). Also called: BRCA2 Hereditary Breast and Ovarian Cancer. Identifiers: Orphanet 145, MedGen C2675520, MONDO:0012933, OMIM 612555. Disease mechanism: loss of function.

Allele frequency attached by ClinVar (database versions not stated): gnomAD exomes below 0.00001.
gnomAD v4.1: 1 of 1,611,750 alleles (0.000062%); no homozygotes.

Submissions (4):

Evidence-based Network for the Interpretation of Germline Mutant Alleles (ENIGMA)
Classification: Pathogenic for Breast-ovarian cancer, familial, susceptibility to, 2. Last evaluated: 2016-10-18. Review status: reviewed by expert panel. Criteria: ENIGMA BRCA1/2 Classification Criteria (2015). Collection method: curation. Allele origin: germline.
Comment: Variant allele predicted to encode a truncated non-functional protein.

Blueprint Genetics
Classification: Pathogenic for BRCA2-related disorders. Last evaluated: 2023-11-10. Review status: criteria provided, single submitter. Criteria: ACMG Guidelines, 2015. Collection method: clinical testing. Allele origin: germline. Affected: yes. Observed: 1 variant allele. Not counted in ClinVar's aggregate classification.

CHEO Genetics Diagnostic Laboratory, Children's Hospital of Eastern Ontario
Classification: Likely pathogenic for Breast and/or ovarian cancer. Last evaluated: 2021-03-16. Review status: criteria provided, single submitter. Criteria: ACMG Guidelines, 2015. Collection method: clinical testing. Allele origin: germline. Not counted in ClinVar's aggregate classification.

Consortium of Investigators of Modifiers of BRCA1/2 (CIMBA), c/o University of Cambridge
Classification: Pathogenic for Breast-ovarian cancer, familial, susceptibility to, 2. Last evaluated: 2015-10-02. Review status: criteria provided, single submitter. Criteria: CIMBA Mutation Classification guidelines May 2016. Collection method: clinical testing. Allele origin: germline. Not counted in ClinVar's aggregate classification.

NM_000059.4(BRCA2):c.8327T>G (p.Leu2776Ter)

Gene: BRCA2 (BRCA2 DNA repair associated; plus strand). Cytogenetic location: 13q13.1.
Variant type: single nucleotide variant.
Coding change: c.8327T>G on transcript NM_000059.4 (MANE Select); coding-DNA position 8327, T replaced by G.
Protein change: p.Leu2776Ter; replaces leucine 2776 with a stop codon.
Molecular consequence: nonsense.
Genome position (GRCh38, 1-based): chr13:32,363,529, T>G. VCF-style: chr13-32363529-T-G. GRCh37 (hg19) VCF-style: chr13-32937666-T-G.
Other names: 8555T>G-Leu2776ter; short protein forms L2776*.
Identifiers: ClinVar variation 52548 (VCV000052548.10), dbSNP rs397507977, ClinGen allele CA025575.